The following is an entry in ClinVar:

ClinVar aggregate classification (germline): Uncertain significance (1 of 4 stars; one submission).

Submission:

GeneDx
Classification: Uncertain significance. Last evaluated: 2026-01-12. Review status: criteria provided, single submitter. Criteria: GeneDx Variant Classification Process June 2021. Collection method: clinical testing. Allele origin: germline.
Comment: Not observed at significant frequency in large population cohorts (gnomAD); Has not been previously published as pathogenic or benign to our knowledge; In silico analysis supports a deleterious effect on splicing

NM_019014.6(POLR1B):c.987-3C>G

Gene: POLR1B (RNA polymerase I subunit B; plus strand). Cytogenetic location: 2q14.1.
Variant type: single nucleotide variant.
Coding change: c.987-3C>G on transcript NM_019014.6 (MANE Select); 3 bases into the intron before coding-DNA position 987, C replaced by G.
Molecular consequence: intron variant.
Genome position (GRCh38, 1-based): chr2:112,552,642, C>G. VCF-style: chr2-112552642-C-G. GRCh37 (hg19) VCF-style: chr2-113310219-C-G.
Other names: c.1101-3C>G (NM_001282772.2); c.570-3C>G (NM_001371970.1, NM_001282777.2, NM_001282779.2); c.987-3C>G (NM_001371969.1, NM_001282774.2); c.354-3C>G (NM_001371971.1, NM_001282776.2); c.819-3C>G (NM_001137604.3).
Identifiers: ClinVar variation 3367455 (VCV003367455.2).